The following is an entry in ClinVar:

ClinVar aggregate classification (germline): Pathogenic. Review status: reviewed by expert panel (3 of 4 stars). 20 submissions from 20 submitters: Pathogenic (1). 19 of the submissions do not count toward it. Last evaluated 2025-05-12.

Conditions:
NEB-related disorder. Also called: NEB-Related Disorders; NEB-related condition.
Arthrogryposis multiplex congenita 6. Identifiers: MedGen C5543431, MONDO:0030281, OMIM 619334.
Nemaline myopathy 2 (NEM2). Also called: Nemaline myopathy 2, autosomal recessive. Identifiers: MedGen C1850569, MONDO:0009725, OMIM 256030.
Inborn genetic diseases. Identifiers: MedGen C0950123, MeSH D030342.
Nemaline myopathy. Also called: Myopathies, Nemaline. Identifiers: Orphanet 607, MedGen C0206157, MONDO:0018958.

Allele frequency attached by ClinVar (database versions not stated): gnomAD 0.00001; gnomAD exomes 0.00001 and 0.00003; ExAC 0.00002; TOPMed 0.00002.
gnomAD v4.1: 22 of 1,612,444 alleles (0.0014%); highest among the groups gnomAD compares: Admixed American, 0.0067%; no homozygotes.

Submissions 1 to 6 of 20:

ClinGen Congenital Myopathies Variant Curation Expert Panel, ClinGen
Classification: Pathogenic for Nemaline myopathy. Last evaluated: 2025-05-12. Review status: reviewed by expert panel. Criteria: ClinGen CongenMyopathy ACMG Specifications NEB V1.0.0. Collection method: curation. Allele origin: germline. Inheritance: Autosomal recessive inheritance.
Comment: The NM_001164508.2(NEB):c.19944G>A (p.Ser6648=) variant in NEB is a synonymous variant located at the intron exon boundary of exon 129. mRNA characterization of homozygous probands displayed that the variant abolishes the normal donor splice site, shifting towards the use of an alternative (cryptic) splice site in intron 129 which causes a partial intronic retention of 120bp that creates a premature stop codon and shorter polypeptide (PS3) (PMID: 26841830, PMID: 25205138). The computational splicing predictor SpliceAI gives a score of 0.77 for donor loss, predicting splice site disruption (PP3). The highest population minor allele frequency in gnomAD v4.1.0 is 0.0001659 (1/6026) alleles) in an unspecified ethnic group (no population codes met). This variant has been identified in at least 9 probands in either a homozygous state or with a second likely pathogenic, pathogenic, or rare uncertain variant (PM3_Strong) (PMID 26841830, 36233295, 25205138, 36233295, 37460656, 32222963, 36714460). At least one proband homozygous for the variant had an affected sibling also homozygous for the variant (PP1) (PMID: 37460656). Nemaline rods have been observed in at least one proband identified with the variant (PP4) (PMID: 26841830). In summary, this variant meets the criteria to be classified as pathogenic for Nemaline Myopathy for autosomal recessive inheritance based on the ACMG/AMP criteria applied as specified by the ClinGen Congenital Myopathy VCEP: (PS3, PM3_Strong, PP4, PP3, PP1); ClinGen Congenital Myopathies VCEP Specifications version 1.0.0; 5/12/2025)

Labcorp Genetics (formerly Invitae), Labcorp
Classification: Pathogenic for Nemaline myopathy 2. Last evaluated: 2026-01-28. Review status: criteria provided, single submitter. Criteria: Invitae Variant Classification Sherloc (09022015). Collection method: clinical testing. Allele origin: germline. Not counted in ClinVar's aggregate classification.
Comment: This sequence change affects codon 6648 of the NEB mRNA. It is a 'silent' change, meaning that it does not change the encoded amino acid sequence of the NEB protein. This variant also falls at the last nucleotide of exon 129, which is part of the consensus splice site for this exon. This variant is present in population databases (rs201553266, gnomAD 0.01%). This variant has been observed in individuals with nemaline myopathy (PMID: 25205148; internal data). ClinVar contains an entry for this variant (Variation ID: 235402). Variants that disrupt the consensus splice site are a relatively common cause of aberrant splicing (PMID: 17576681, 9536098). Algorithms developed to predict the effect of sequence changes on RNA splicing suggest that this variant may disrupt the consensus splice site. For these reasons, this variant has been classified as Pathogenic.

CeGaT Center for Human Genetics Tuebingen
Classification: Pathogenic. Last evaluated: 2025-11-01. Review status: criteria provided, single submitter. Criteria: CeGaT Center For Human Genetics Tuebingen Variant Classification Criteria Version 2. Collection method: clinical testing. Allele origin: germline. Affected: yes. Observed: 1 variant allele. Not counted in ClinVar's aggregate classification.
Comment: NEB: PVS1, PS4:Moderate

Broad Center for Mendelian Genomics, Broad Institute of MIT and Harvard
Classification: Likely pathogenic for Nemaline myopathy. Last evaluated: 2025-03-07. Review status: criteria provided, single submitter. Criteria: ACMG Guidelines, 2015. Collection method: curation. Allele origin: germline. Inheritance: Autosomal recessive inheritance. Not counted in ClinVar's aggregate classification.
Comment: The p.Ser6648= variant in NEB has been reported in at least 10 individuals with nemaline myopathy (PMID: 25205138, 26403434, 26841830, 32222963, 36233295, 37460656, 36714460), and has been identified in 0.007% (4/59922) of Latino/Admixed American chromosomes by the Genome Aggregation Database (gnomAD; dbSNP ID: rs201553266). Although this variant has been seen in the general population in a heterozygous state, its frequency is low enough to be consistent with a recessive carrier frequency. This variant has also been reported in ClinVar (Variation ID: 235402) and has been interpreted as pathogenic/likely pathogenic by multiple submitters, and as a variant of uncertain significance by Eurofins Ntd Llc (ga). Of the ten affected individuals, seven were compound heterozygotes that carried a reported likely pathogenic variant in trans or with unknown phase and two were homozygotes, which increases the likelihood that the p.Ser6648= variant is pathogenic (Variation ID: 190457; PMID: 25205138, 26403434, 26841830, 32222963, 36233295, 37460656, 36714460). mRNA analysis performed on unaffected tissues shows possible evidence of intron retention after exon 129. This variant is located in the last three bases of the exon, which is part of the 5' splice region. Computational tools do suggest an impact to splicing. However, this information is not predictive enough to determine/rule out pathogenicity. The phenotype of individuals heterozygous for this variant are highly specific for nemaline myopathy based on the presence of nemaline rods consistent with disease. In summary, although additional studies are required to fully establish its clinical significance, this variant is likely pathogenic for autosomal recessive nemaline myopathy. ACMG/AMP Criteria applied: PM3_strong, PVS1_moderate, PP4, PM2_supporting (Richards 2015).

GeneDx
Classification: Pathogenic. Last evaluated: 2025-02-24. Review status: criteria provided, single submitter. Criteria: GeneDx Variant Classification Process June 2021. Collection method: clinical testing. Allele origin: germline. Affected: yes. Not counted in ClinVar's aggregate classification.
Comment: RNA studies demonstrate a disruption of the canonical splice site resulting in a premature termination codon and thus a shortened nebulin protein (PMID: 26841830); Not observed at significant frequency in large population cohorts (gnomAD); In silico analysis supports a deleterious effect on splicing; This variant is associated with the following publications: (PMID: 25205138, 26841830, 32721234, 17576681, 9536098, 39194158, 37460656, 36233295, 35081925, 39802796, 36714460, 38280421, 32222963, 26403434)

Natera, Inc.
Classification: Pathogenic for Nemaline myopathy type 2. Last evaluated: 2025-01-02. Review status: criteria provided, single submitter. Criteria: Natera Variant Classification Schema (03/2026). Collection method: clinical testing. Allele origin: germline. Not counted in ClinVar's aggregate classification.
Comment: The c.19944G>A variant in NEB is a synonymous variant that does not alter the encoded amino acid at position 6648 (p.S6648=). This variant is rare in the general population with a frequency below the threshold expected for the associated phenotype(s). This variant has been observed in one or more individuals affected with the associated recessive disease, as either homozygous or compound heterozygous with a second variant (PMID: 36233295, 37460656, 26841830). Additionally, this variant has been observed to segregate in affected family members (PMID: 37460656). Functional studies show that this variant may disrupt protein function (PMID: 26841830). Computational prediction algorithms indicate this variant is likely to affect gene or protein function. Given the available evidence, this variant is classified as Pathogenic.

NM_001164508.2(NEB):c.19944G>A (p.Ser6648=)

Gene: NEB (nebulin; minus strand). Cytogenetic location: 2q23.3.
Variant type: single nucleotide variant.
Coding change: c.19944G>A on transcript NM_001164508.2 (MANE Select); coding-DNA position 19944, G replaced by A.
Protein change: p.Ser6648=; no amino-acid change (serine 6648 retained).
Molecular consequence: synonymous variant.
Genome position (GRCh38, 1-based): chr2:151,551,738, C>T on the plus strand (G>A on the coding strand, the complement: NEB is on the minus strand). VCF-style: chr2-151551738-C-T. GRCh37 (hg19) VCF-style: chr2-152408252-C-T.
Other names: NM_001164508.2(NEB):c.19944G>A; p.Ser6648=; c.19944G>A, p.Ser6648= (NM_001164507.2, NM_001271208.2); c.14841G>A, p.Ser4947= (NM_004543.5).
Identifiers: ClinVar variation 235402 (VCV000235402.43), dbSNP rs201553266, ClinGen allele CA1907493.
Genomic context (GRCh38, chr2:151,551,738, plus strand): 5'-CTTCCACAGAGGCTGATGGAACGGATTTCTGCTGGGCACTCTCAAGTTCTCACTGCTCAC[C>T]GAACTCTGGAGCTTGTATGCATGAAGGGCCCGGTCCAGATCCACGGTTTTGGTAGTTGGA-3'
Protein context (NP_001157980.2, residues 6638-6658): RALHAYKLQS[Ser6648=]NLYKTSLRTL